The following is an entry in ClinVar:

NM_004168.4(SDHA):c.1667T>A (p.Met556Lys)

Gene: SDHA (succinate dehydrogenase complex flavoprotein subunit A; plus strand). Cytogenetic location: 5p15.33.
Variant type: single nucleotide variant.
Coding change: c.1667T>A on transcript NM_004168.4 (MANE Select); coding-DNA position 1667, T replaced by A.
Protein change: p.Met556Lys; replaces methionine 556 with lysine.
Molecular consequence: missense variant. On other transcripts: intron variant (1).
Genome position (GRCh38, 1-based): chr5:251,341, T>A. VCF-style: chr5-251341-T-A. GRCh37 (hg19) VCF-style: chr5-251456-T-A.
Other names: c.1523T>A, p.Met508Lys (NM_001294332.2); c.1552-3052T>A (NM_001330758.2); c.1667T>A (NM_004168.2); short protein forms M508K, M556K.
Identifiers: ClinVar variation 1004851 (VCV001004851.10), dbSNP rs1579438769, ClinGen allele CA358999838.

ClinVar aggregate classification (germline): Uncertain significance. Review status: criteria provided, multiple submitters, no conflicts (2 of 4 stars). 2 submissions from 2 submitters: Uncertain significance (2). Last evaluated 2026-08-24.

Conditions:
Hereditary cancer-predisposing syndrome. Also called: Tumor predisposition; Hereditary Cancer Syndrome; Hereditary neoplastic syndrome; Neoplastic Syndromes, Hereditary. Identifiers: Orphanet 140162, MedGen C0027672, MeSH D009386, MONDO:0015356.
Mitochondrial complex II deficiency, nuclear type 1. Also called: SUCCINATE CoQ REDUCTASE DEFICIENCY. Identifiers: Orphanet 3208, MedGen C5700310, MONDO:0100294, OMIM 252011.
Pheochromocytoma/paraganglioma syndrome 5. Also called: Paragangliomas 5; SDHA-Related Hereditary Paraganglioma-Pheochromocytoma Syndrome. Identifiers: Orphanet 29072, MedGen C3279992, MONDO:0013602, OMIM 614165.

Submissions (2):

Ambry Genetics
Classification: Uncertain significance for Hereditary cancer-predisposing syndrome. Last evaluated: 2026-08-24. Review status: criteria provided, single submitter. Criteria: Ambry Variant Classification Scheme 2023. Collection method: clinical testing. Allele origin: germline.
Comment: The p.M556K variant (also known as c.1667T>A), located in coding exon 13 of the SDHA gene, results from a T to A substitution at nucleotide position 1667. The methionine at codon 556 is replaced by lysine, an amino acid with similar properties. This amino acid position is conserved. In addition, the in silico prediction for this alteration is inconclusive. Based on the available evidence, the clinical significance of this variant remains unclear.

Labcorp Genetics (formerly Invitae), Labcorp
Classification: Uncertain significance for Pheochromocytoma/paraganglioma syndrome 5; Mitochondrial complex II deficiency, nuclear type 1. Last evaluated: 2020-07-21. Review status: criteria provided, single submitter. Criteria: Invitae Variant Classification Sherloc (09022015). Collection method: clinical testing. Allele origin: germline.
Comment: This sequence change replaces methionine with lysine at codon 556 of the SDHA protein (p.Met556Lys). The methionine residue is moderately conserved and there is a moderate physicochemical difference between methionine and lysine. This variant is not present in population databases (ExAC no frequency). This variant has not been reported in the literature in individuals with SDHA-related conditions. Advanced modeling of protein sequence and biophysical properties (such as structural, functional, and spatial information, amino acid conservation, physicochemical variation, residue mobility, and thermodynamic stability) performed at Invitae indicates that this missense variant is not expected to disrupt SDHA protein function. Algorithms developed to predict the effect of sequence changes on RNA splicing suggest that this variant may create or strengthen a splice site, but this prediction has not been confirmed by published transcriptional studies. In summary, the available evidence is currently insufficient to determine the role of this variant in disease. Therefore, it has been classified as a Variant of Uncertain Significance.